The following is an entry in ClinVar:

ClinVar aggregate classification (germline): Uncertain significance. Review status: criteria provided, multiple submitters, no conflicts (2 of 4 stars). 3 submissions from 3 submitters: Uncertain significance (2). 1 of the submissions does not count toward it. Last evaluated 2026-08-01.

Conditions:
Spasticity. Identifiers: MedGen C0026838, HP:0001257.
Hereditary spastic paraplegia 8 (SPG8). Also called: SPASTIC PARAPLEGIA 8, AUTOSOMAL DOMINANT. Identifiers: Orphanet 100989, MedGen C1863704, MONDO:0011339, OMIM 603563.
Ritscher-Schinzel syndrome. Also called: CRANIOCEREBELLOCARDIAC DYSPLASIA. Identifiers: Orphanet 7, MedGen C0796137, MONDO:0019078.

Allele frequency attached by ClinVar (database versions not stated): gnomAD 0.00001; TOPMed 0.00001; ExAC 0.00002; gnomAD exomes 0.00003.
gnomAD v4.1: 22 of 1,613,604 alleles (0.0014%); highest among the groups gnomAD compares: Non-Finnish European, 0.0019%; no homozygotes.

Submissions (3):

CeGaT Center for Human Genetics Tuebingen
Classification: Uncertain significance. Last evaluated: 2026-08-01. Review status: criteria provided, single submitter. Criteria: CeGaT Center For Human Genetics Tuebingen Variant Classification Criteria Version 2. Collection method: clinical testing. Allele origin: germline. Affected: yes. Observed: 1 variant allele.
Comment: WASHC5: PM2, PP3

Labcorp Genetics (formerly Invitae), Labcorp
Classification: Uncertain significance for Ritscher-Schinzel syndrome; Hereditary spastic paraplegia 8. Last evaluated: 2022-10-13. Review status: criteria provided, single submitter. Criteria: Invitae Variant Classification Sherloc (09022015). Collection method: clinical testing. Allele origin: germline.
Comment: Variants that disrupt the consensus splice site are a relatively common cause of aberrant splicing (PMID: 17576681, 9536098). Algorithms developed to predict the effect of sequence changes on RNA splicing suggest that this variant may disrupt the consensus splice site. This sequence change falls in intron 7 of the WASHC5 gene. It does not directly change the encoded amino acid sequence of the WASHC5 protein. It affects a nucleotide within the consensus splice site. This variant is present in population databases (rs772529893, gnomAD 0.006%). This variant has not been reported in the literature in individuals affected with WASHC5-related conditions. ClinVar contains an entry for this variant (Variation ID: 1027665). In summary, the available evidence is currently insufficient to determine the role of this variant in disease. Therefore, it has been classified as a Variant of Uncertain Significance.

Institute of Human Genetics, University of Wuerzburg
Classification: Uncertain significance for Spasticity. Review status: no assertion criteria provided. Collection method: clinical testing. Allele origin: unknown. Not counted in ClinVar's aggregate classification.

Literature cited by the submitters: PubMed 17576681 (cited by Labcorp Genetics (formerly Invitae), Labcorp); PubMed 9536098 (cited by Labcorp Genetics (formerly Invitae), Labcorp).

NM_014846.4(WASHC5):c.864+5G>C

Gene: WASHC5 (WASH complex subunit 5; minus strand). Cytogenetic location: 8q24.13.
Variant type: single nucleotide variant.
Coding change: c.864+5G>C on transcript NM_014846.4 (MANE Select); 5 bases into the intron after coding-DNA position 864, G replaced by C.
Molecular consequence: intron variant.
Genome position (GRCh38, 1-based): chr8:125,076,343, C>G on the plus strand (G>C on the coding strand, the complement: WASHC5 is on the minus strand). VCF-style: chr8-125076343-C-G. GRCh37 (hg19) VCF-style: chr8-126088585-C-G.
Other names: c.420+5G>C (NM_001330609.2).
Identifiers: ClinVar variation 1027665 (VCV001027665.6), dbSNP rs772529893, ClinGen allele CA4873998.